The following is an entry in ClinVar:

ClinVar aggregate classification (germline): Pathogenic (3 of 4 stars; one submission).

Conditions:
Breast-ovarian cancer, familial, susceptibility to, 1 (BROVCA1). Also called: BRCA1 Hereditary Breast and Ovarian Cancer; OVARIAN CANCER, SUSCEPTIBILITY TO. Identifiers: Orphanet 145, MedGen C2676676, MONDO:0011450, OMIM 604370. Disease mechanism: loss of function.

Submission:

Evidence-based Network for the Interpretation of Germline Mutant Alleles (ENIGMA)
Classification: Pathogenic for Breast-ovarian cancer, familial, susceptibility to, 1. Last evaluated: 2016-09-08. Review status: reviewed by expert panel. Criteria: ENIGMA BRCA1/2 Classification Criteria (2015). Collection method: curation. Allele origin: germline.
Comment: Variant allele predicted to encode a truncated non-functional protein.

NM_007294.4(BRCA1):c.1961_1962del (p.Lys654fs)

Gene: BRCA1 (BRCA1 DNA repair associated; minus strand). Cytogenetic location: 17q21.31.
Variant type: Deletion.
Coding change: c.1961_1962del on transcript NM_007294.4 (MANE Select); coding-DNA positions 1961 to 1962, 2 bases deleted (AG; older notation c.1961_1962delAG).
Protein change: p.Lys654fs; shifts the reading frame from lysine 654.
Molecular consequence: frameshift variant. On other transcripts: intron variant (137).
Genome position (GRCh38, 1-based): chr17:43,093,569-43,093,570, CT deleted on the plus strand (AG on the coding strand, the reverse complement: BRCA1 is on the minus strand). VCF-style (leftmost placement, unchanged base first): chr17-43093568-ACT-A. GRCh37 (hg19) VCF-style: chr17-41245585-ACT-A.
Other names: c.664+1174_664+1175del (NM_001408426.1, NM_001408436.1, NM_001408444.1 and 12 more transcripts); c.787+1174_787+1175del (NM_001407982.1, NM_001407970.1, NM_001407980.1 and 19 more transcripts); c.1748_1749del, p.Lys583fs (NM_001407571.1, NM_001407853.1, NM_001407894.1 and 9 more transcripts); c.1961_1962del, p.Lys654fs (NM_001407581.1, NM_001407582.1, NM_001407583.1 and 30 more transcripts); c.1958_1959del, p.Lys653fs (NM_001407587.1, NM_001407590.1, NM_001407591.1 and 22 more transcripts); c.1838_1839del, p.Lys613fs (NM_001407648.1, NM_001407668.1, NM_001407669.1 and 19 more transcripts); c.1835_1836del, p.Lys612fs (NM_001407649.1, NM_001407670.1, NM_001407671.1 and 11 more transcripts); c.1883_1884del, p.Lys628fs (NM_001407653.1, NM_001407654.1, NM_001407655.1 and 4 more transcripts); and 40 more; short protein forms K607fs, K654fs, K486fs, K586fs, K627fs, K565fs, K606fs, K613fs.
Identifiers: ClinVar variation 254401 (VCV000254401.3), dbSNP rs886037993, ClinGen allele CA10586653.
Genomic context (GRCh38, chr17:43,093,568, plus strand): 5'-CAGGTTCTTTACCTTCCATGAGTTGTAGGTTTCTGCTGTGCCTGACTGGCATTTGGTTGT[ACT>A]TTTTTTTCTTTATCTCTTCACTGCTAGAACAACTATCAATTTGCAATTCAGTACAATTAG-3'